The following is an entry in ClinVar:

NM_001110556.2(FLNA):c.7756+19C>T

Genes: FLNA (filamin A; minus strand), LOC107988032 (Xq28 proximal FLNA-EMD recombination region; plus strand). Cytogenetic location: Xq28.
Variant type: single nucleotide variant.
Coding change: c.7756+19C>T on transcript NM_001110556.2 (MANE Select); 19 bases into the intron after coding-DNA position 7756, C replaced by T.
Molecular consequence: intron variant.
Genome position (GRCh38, 1-based): chrX:154,349,343, G>A on the plus strand (C>T on the coding strand, the complement: FLNA is on the minus strand). VCF-style: chrX-154349343-G-A. GRCh37 (hg19) VCF-style: chrX-153577711-G-A.
Other names: c.7732+19C>T (NM_001456.4).
Identifiers: ClinVar variation 390859 (VCV000390859.10), dbSNP rs781867343, ClinGen allele CA10559844.

ClinVar aggregate classification (germline): Benign/Likely benign. Review status: criteria provided, multiple submitters, no conflicts (2 of 4 stars). 4 submissions from 4 submitters: Benign (1); Likely benign (3). Last evaluated 2026-01-28.

Conditions:
Heterotopia, periventricular, X-linked dominant (PVNH1). Also called: PERIVENTRICULAR NODULAR HETEROTOPIA 4; HETEROTOPIA, PERIVENTRICULAR, 1; X-linked periventricular heterotopia; PERIVENTRICULAR NODULAR HETEROTOPIA 1. Identifiers: Orphanet 2149, Orphanet 82004, MedGen C1848213, MONDO:0010233, OMIM 300049.
Melnick-Needles syndrome (MNS). Also called: Melnick-Needles Syndrome (FLNA-MNS); MELNICK-NEEDLES OSTEODYSPLASTY; OSTEODYSPLASTY OF MELNICK AND NEEDLES. Identifiers: Orphanet 2484, MedGen C0025237, MONDO:0010650, OMIM 309350.
Oto-palato-digital syndrome, type II (OPD2). Also called: Otopalatodigital Syndrome, Type II; Otopalatodigital Syndrome Type 2 (FLNA-OPD2); FACIOPALATOOSSEOUS SYNDROME; OPD II SYNDROME. Identifiers: Orphanet 669, Orphanet 90652, MedGen C1844696, MONDO:0010571, OMIM 304120.
Frontometaphyseal dysplasia (FMD1). Identifiers: Orphanet 1826, MedGen C0265293, MONDO:0015942.

Allele frequency attached by ClinVar (database versions not stated): ExAC 0.00008; gnomAD 0.00009; gnomAD exomes 0.00009 and 0.00013; TOPMed 0.00014.
gnomAD v4.1: 153 of 1,192,163 alleles (0.013%); highest among the groups gnomAD compares: South Asian, 0.021%; no homozygotes.

Submissions (4):

Labcorp Genetics (formerly Invitae), Labcorp
Classification: Likely benign for Oto-palato-digital syndrome, type II; Heterotopia, periventricular, X-linked dominant; Frontometaphyseal dysplasia; Melnick-Needles syndrome. Last evaluated: 2026-01-28. Review status: criteria provided, single submitter. Criteria: Invitae Variant Classification Sherloc (09022015). Collection method: clinical testing. Allele origin: germline.

Women's Health and Genetics/Laboratory Corporation of America, LabCorp
Classification: Benign. Last evaluated: 2023-08-24. Review status: criteria provided, single submitter. Criteria: LabCorp Variant Classification Summary - May 2015. Collection method: clinical testing. Allele origin: germline.

Blueprint Genetics
Classification: Likely benign. Last evaluated: 2022-11-10. Review status: criteria provided, single submitter. Criteria: ACMG Guidelines, 2015. Collection method: clinical testing. Allele origin: germline.

GeneDx
Classification: Likely benign. Last evaluated: 2017-11-22. Review status: criteria provided, single submitter. Criteria: GeneDx Variant Classification (06012015). Collection method: clinical testing. Allele origin: germline. Affected: yes.
Comment: This variant is considered likely benign or benign based on one or more of the following criteria: it is a conservative change, it occurs at a poorly conserved position in the protein, it is predicted to be benign by multiple in silico algorithms, and/or has population frequency not consistent with disease.